The following is an entry in ClinVar:

NM_198060.4(NRAP):c.1047G>A (p.Ser349=)

Gene: NRAP (nebulin related anchoring protein; minus strand). Cytogenetic location: 10q25.3.
Variant type: single nucleotide variant.
Coding change: c.1047G>A on transcript NM_198060.4 (MANE Select); coding-DNA position 1047, G replaced by A.
Protein change: p.Ser349=; no amino-acid change (serine 349 retained).
Molecular consequence: synonymous variant.
Genome position (GRCh38, 1-based): chr10:113,645,888, C>T on the plus strand (G>A on the coding strand, the complement: NRAP is on the minus strand). VCF-style: chr10-113645888-C-T. GRCh37 (hg19) VCF-style: chr10-115405647-C-T.
Other names: c.1047G>A, p.Ser349= (NM_001261463.2, NM_001322945.2, NM_006175.5).
Identifiers: ClinVar variation 3895311 (VCV003895311.1), dbSNP rs767638529.

ClinVar aggregate classification (germline): Likely benign (1 of 4 stars; one submission).

gnomAD v4.1: 32 of 1,610,488 alleles (0.002%); highest among the groups gnomAD compares: South Asian, 0.0044%; no homozygotes.

Submission:

Molecular Diagnostic Laboratory for Inherited Cardiovascular Disease, Montreal Heart Institute
Classification: Likely benign. Last evaluated: 2025-04-09. Review status: criteria provided, single submitter. Criteria: ACMG Guidelines, 2015. Collection method: clinical testing. Allele origin: germline. Affected: no.
Comment: BP7